The following is an entry in ClinVar:

ClinVar aggregate classification (germline): Conflicting classifications of pathogenicity. Review status: criteria provided, conflicting classifications (1 of 4 stars). 2 submissions from 2 submitters: Uncertain significance (1); Likely benign (1). Last evaluated 2026-06-01.

Conditions:
Inborn genetic diseases. Identifiers: MedGen C0950123, MeSH D030342.

gnomAD v4.1: 184 of 1,597,762 alleles (0.012%); highest among the groups gnomAD compares: South Asian, 0.023%; 2 homozygotes.

Submissions (2):

CeGaT Center for Human Genetics Tuebingen
Classification: Likely benign. Last evaluated: 2026-06-01. Review status: criteria provided, single submitter. Criteria: CeGaT Center For Human Genetics Tuebingen Variant Classification Criteria Version 2. Collection method: clinical testing. Allele origin: germline. Affected: yes. Observed: 1 variant allele.
Comment: KRT6C: BS2

Ambry Genetics
Classification: Uncertain significance for Inborn genetic diseases. Last evaluated: 2024-11-11. Review status: criteria provided, single submitter. Criteria: Ambry Variant Classification Scheme 2023. Collection method: clinical testing. Allele origin: germline.

NM_173086.5(KRT6C):c.733C>A (p.Leu245Met)

Gene: KRT6C (keratin 6C; minus strand). Cytogenetic location: 12q13.13.
Variant type: single nucleotide variant.
Coding change: c.733C>A on transcript NM_173086.5 (MANE Select); coding-DNA position 733, C replaced by A.
Protein change: p.Leu245Met; replaces leucine 245 with methionine.
Molecular consequence: missense variant.
Genome position (GRCh38, 1-based): chr12:52,472,088, G>T on the plus strand (C>A on the coding strand, the complement: KRT6C is on the minus strand). VCF-style: chr12-52472088-G-T. GRCh37 (hg19) VCF-style: chr12-52865872-G-T.
Other names: short protein forms L245M.
Identifiers: ClinVar variation 3536122 (VCV003536122.2).